The following is an entry in ClinVar:

NM_000132.4(F8):c.5359G>A (p.Glu1787Lys)

Gene: F8 (coagulation factor VIII; minus strand). Cytogenetic location: Xq28.
Variant type: single nucleotide variant.
Coding change: c.5359G>A on transcript NM_000132.4 (MANE Select); coding-DNA position 5359, G replaced by A.
Protein change: p.Glu1787Lys; replaces glutamic acid 1787 with lysine.
Molecular consequence: missense variant.
Genome position (GRCh38, 1-based): chrX:154,906,434, C>T on the plus strand (G>A on the coding strand, the complement: F8 is on the minus strand). VCF-style: chrX-154906434-C-T. GRCh37 (hg19) VCF-style: chrX-154134709-C-T.
Other names: c.5359G>A (NM_000132.3); short protein forms E1787K.
Identifiers: ClinVar variation 3896554 (VCV003896554.2).

ClinVar aggregate classification (germline): Conflicting classifications of pathogenicity. Review status: criteria provided, conflicting classifications (1 of 4 stars). 2 submissions from 2 submitters: Pathogenic (1); Uncertain significance (1). Last evaluated 2025-09-07.

Conditions:
Hereditary factor VIII deficiency disease (HEMA). Also called: HEMOPHILIA, CLASSIC; AUTOSOMAL HEMOPHILIA A; Hemophilia A; Hemophilia A, congenital; HEM A; Factor 8 deficiency, congenital. Identifiers: Orphanet 98878, MedGen C0019069, MONDO:0010602, OMIM 306700.

Submissions (2):

Cancer Genetics Lab, Istanbul University Institute of Oncology
Classification: Pathogenic for Hereditary factor VIII deficiency disease. Last evaluated: 2025-09-07. Review status: criteria provided, single submitter. Criteria: ACMG Guidelines, 2015. Collection method: research. Allele origin: germline. Inheritance: X-linked recessive inheritance. Affected: yes. Observed: 1 hemizygote.
Comment: The variant is not listed in ClinVar; apart from our case, it has been reported once in HGMD as a disease-causing mutation (PMID: 35014236).

Women's Health and Genetics/Laboratory Corporation of America, LabCorp
Classification: Uncertain significance. Last evaluated: 2025-04-02. Review status: criteria provided, single submitter. Criteria: LabCorp Variant Classification Summary - May 2015. Collection method: clinical testing. Allele origin: germline.
Comment: Variant summary: F8 c.5359G>A (p.Glu1787Lys) results in a conservative amino acid change in the encoded protein sequence. Four of five in-silico tools predict a damaging effect of the variant on protein function. The variant was absent in 182459 control chromosomes (gnomAD). The available data on variant occurrences in the general population are insufficient to allow any conclusion about variant significance. c.5359G>A has been reported in the literature in an individual affected with Factor VIII Deficiency (Hemophilia A)(Azadmehr_2021). These data do not allow any conclusion about variant significance. To our knowledge, no experimental evidence demonstrating an impact on protein function has been reported. The following publication has been ascertained in the context of this evaluation (PMID: 35014236). No submitters have cited clinical-significance assessments for this variant to ClinVar. Based on the evidence outlined above, the variant was classified as uncertain significance.

Literature cited by the submitters: PubMed 35014236 (cited by Cancer Genetics Lab, Istanbul University Institute of Oncology and Women's Health and Genetics/Laboratory Corporation of America, LabCorp).